The following is an entry in ClinVar:

NM_170606.3(KMT2C):c.3446A>T (p.Asp1149Val)

Gene: KMT2C (lysine methyltransferase 2C; minus strand). Cytogenetic location: 7q36.1.
Variant type: single nucleotide variant.
Coding change: c.3446A>T on transcript NM_170606.3 (MANE Select); coding-DNA position 3446, A replaced by T.
Protein change: p.Asp1149Val; replaces aspartic acid 1149 with valine.
Molecular consequence: missense variant.
Genome position (GRCh38, 1-based): chr7:152,222,054, T>A on the plus strand (A>T on the coding strand, the complement: KMT2C is on the minus strand). VCF-style: chr7-152222054-T-A. GRCh37 (hg19) VCF-style: chr7-151919139-T-A.
Other names: short protein forms D1149V.
Identifiers: ClinVar variation 1964987 (VCV001964987.5), dbSNP rs2129146622, ClinGen allele CA370109285.

ClinVar aggregate classification (germline): Uncertain significance (1 of 4 stars; one submission).

Submission:

Labcorp Genetics (formerly Invitae), Labcorp
Classification: Uncertain significance. Last evaluated: 2023-11-27. Review status: criteria provided, single submitter. Criteria: Invitae Variant Classification Sherloc (09022015). Collection method: clinical testing. Allele origin: germline.
Comment: This sequence change replaces aspartic acid, which is acidic and polar, with valine, which is neutral and non-polar, at codon 1149 of the KMT2C protein (p.Asp1149Val). This variant is not present in population databases (gnomAD no frequency). This variant has not been reported in the literature in individuals affected with KMT2C-related conditions. ClinVar contains an entry for this variant (Variation ID: 1964987). Advanced modeling of protein sequence and biophysical properties (such as structural, functional, and spatial information, amino acid conservation, physicochemical variation, residue mobility, and thermodynamic stability) performed at Invitae indicates that this missense variant is not expected to disrupt KMT2C protein function with a negative predictive value of 80%. In summary, the available evidence is currently insufficient to determine the role of this variant in disease. Therefore, it has been classified as a Variant of Uncertain Significance.